The following is an entry in ClinVar:

NM_014625.4(NPHS2):c.586C>T (p.Arg196Ter)

Gene: NPHS2 (NPHS2 stomatin family member, podocin; minus strand). Cytogenetic location: 1q25.2.
Variant type: single nucleotide variant.
Coding change: c.586C>T on transcript NM_014625.4 (MANE Select); coding-DNA position 586, C replaced by T.
Protein change: p.Arg196Ter; replaces arginine 196 with a stop codon.
Molecular consequence: nonsense. On other transcripts: intron variant (1).
Genome position (GRCh38, 1-based): chr1:179,557,179, G>A on the plus strand (C>T on the coding strand, the complement: NPHS2 is on the minus strand). VCF-style: chr1-179557179-G-A. GRCh37 (hg19) VCF-style: chr1-179526314-G-A.
Other names: c.534+2500C>T (NM_001297575.2); short protein forms R196*.
Identifiers: ClinVar variation 188892 (VCV000188892.14), dbSNP rs12568913, ClinGen allele CA199089.

ClinVar aggregate classification (germline): Pathogenic/Likely pathogenic. Review status: criteria provided, multiple submitters, no conflicts (2 of 4 stars). 6 submissions from 6 submitters: Pathogenic (3); Likely pathogenic (1). 2 of the submissions do not count toward it. Last evaluated 2025-12-22.

Conditions:
Nephrotic syndrome, type 2 (NPHS2). Also called: NEPHROTIC SYNDROME, STEROID-RESISTANT, AUTOSOMAL RECESSIVE. Identifiers: Orphanet 656, MedGen C1868672, MONDO:0010974, OMIM 600995.
Steroid-resistant nephrotic syndrome. Identifiers: MedGen C0403397, MONDO:0044765, HP:0012588.

Submissions (6):

Natera, Inc.
Classification: Pathogenic for Steroid-resistant nephrotic syndrome. Last evaluated: 2025-12-22. Review status: criteria provided, single submitter. Criteria: Natera Variant Classification Schema (03/2026). Collection method: clinical testing. Allele origin: germline.
Comment: The c.586C>T variant in NPHS2 is a nonsense variant predicted to introduce a stop codon at amino acid 196. This variant is expected to result in nonsense mediated decay, truncation, or a dysfunctional protein product. This variant is rare in the general population with a frequency below the threshold expected for the associated phenotype(s). This variant has been observed in one or more individuals affected with the associated recessive disease, as either homozygous or compound heterozygous with a second variant (PMID: 31328266). Given the available evidence, this variant is classified as Pathogenic.

Baylor Genetics
Classification: Pathogenic for Nephrotic syndrome, type 2. Last evaluated: 2024-02-02. Review status: criteria provided, single submitter. Criteria: ACMG Guidelines, 2015. Collection method: clinical testing. Allele origin: unknown.

Labcorp Genetics (formerly Invitae), Labcorp
Classification: Pathogenic. Last evaluated: 2023-12-17. Review status: criteria provided, single submitter. Criteria: Invitae Variant Classification Sherloc (09022015). Collection method: clinical testing. Allele origin: germline.
Comment: This sequence change creates a premature translational stop signal (p.Arg196*) in the NPHS2 gene. It is expected to result in an absent or disrupted protein product. Loss-of-function variants in NPHS2 are known to be pathogenic (PMID: 10742096, 14701729, 15253708, 23595123). This variant is present in population databases (rs12568913, gnomAD 0.007%). This premature translational stop signal has been observed in individual(s) with nephrotic syndrome (PMID: 15780077). ClinVar contains an entry for this variant (Variation ID: 188892). Algorithms developed to predict the effect of sequence changes on RNA splicing suggest that this variant may disrupt the consensus splice site. For these reasons, this variant has been classified as Pathogenic.

Genome-Nilou Lab
Classification: Likely pathogenic for Nephrotic syndrome, type 2. Last evaluated: 2023-04-11. Review status: criteria provided, single submitter. Criteria: ACMG Guidelines, 2015. Collection method: clinical testing. Allele origin: germline. Affected: no.

Bioscientia Institut fuer Medizinische Diagnostik GmbH, Sonic Healthcare
Classification: Pathogenic for Nephrotic syndrome, type 2. Last evaluated: 2018-03-12. Review status: no assertion criteria provided. Collection method: clinical testing. Allele origin: germline. Affected: yes. Not counted in ClinVar's aggregate classification.

Counsyl
Classification: Likely pathogenic for Nephrotic syndrome, idiopathic, steroid-resistant. Last evaluated: 2014-07-21. Review status: no assertion criteria provided. Collection method: literature only. Allele origin: unknown. Inheritance: Autosomal recessive inheritance. Not counted in ClinVar's aggregate classification.

Literature cited by the submitters: PubMed 31328266 (cited by Natera, Inc.); PubMed 10742096 (cited by Labcorp Genetics (formerly Invitae), Labcorp); PubMed 14701729 (cited by Labcorp Genetics (formerly Invitae), Labcorp); PubMed 15253708 (cited by Labcorp Genetics (formerly Invitae), Labcorp); PubMed 23595123 (cited by Labcorp Genetics (formerly Invitae), Labcorp); PubMed 15780077 (cited by Labcorp Genetics (formerly Invitae), Labcorp and Counsyl); PubMed 11733557 (cited by Counsyl).